The following is an entry in ClinVar:

ClinVar aggregate classification (germline): Conflicting classifications of pathogenicity. Review status: criteria provided, conflicting classifications (1 of 4 stars). 5 submissions from 5 submitters: Likely pathogenic (1); Uncertain significance (4). Last evaluated 2026-07-22.

Conditions:
Malignant hyperthermia, susceptibility to, 1 (MHS1). Also called: Anesthesia related hyperthermia; Malignant hyperpyrexia; Fulminating hyperpyrexia; Pharmacogenic myopathy; RYR1-Related Malignant Hyperthermia Susceptibility; Malignant hyperthermia suceptibility 1. Identifiers: Orphanet 423, MedGen C2930980, MONDO:0007783, OMIM 145600.
Congenital multicore myopathy with external ophthalmoplegia (CMYO1B). Also called: MULTIMINICORE DISEASE WITH EXTERNAL OPHTHALMOPLEGIA; Congenital myopathy 1B, autosomal recessive; Minicore myopathy; MULTICORE MYOPATHY; Minicore myopathy with external ophthalmoplegia. Identifiers: Orphanet 598, Orphanet 98905, MedGen C1850674, MONDO:0009712, OMIM 255320, HP:0003789.
Central core myopathy (CMYO1A). Also called: CONGENITAL MYOPATHY 1A, AUTOSOMAL DOMINANT, WITH SUSCEPTIBILITY TO MALIGNANT HYPERTHERMIA; Central core disease; Myopathy, central fibrillar. Identifiers: Orphanet 597, MedGen C5830701, MONDO:0007294, OMIM 117000.
Congenital myopathy with fiber type disproportion. Also called: Congenital fiber-type disproportion; Congenital fiber-type disproportion myopathy. Identifiers: Orphanet 2020, MedGen C0546264, MONDO:0009711. Inheritance: all.
King Denborough syndrome (KDS). Identifiers: MedGen C1840365, MONDO:0020485, OMIM 619542.
RYR1-related disorder. Also called: RYR1-related disorders; RYR1-related condition. Identifiers: MedGen CN239331.

Allele frequency attached by ClinVar (database versions not stated): gnomAD 0.00001.
gnomAD v4.1: 14 of 1,611,134 alleles (0.00087%); highest among the groups gnomAD compares: Non-Finnish European, 0.0012%; no homozygotes.

Submissions (5):

GeneDx
Classification: Likely pathogenic. Last evaluated: 2026-07-22. Review status: criteria provided, single submitter. Criteria: GeneDx Variant Classification Process June 2021. Collection method: clinical testing. Allele origin: germline.
Comment: Not observed at significant frequency in large population cohorts (gnomAD); In silico analysis supports a deleterious effect on splicing; Has not been previously published as pathogenic or benign to our knowledge

Color Diagnostics, LLC DBA Color Health
Classification: Uncertain significance for Malignant hyperthermia, susceptibility to, 1. Last evaluated: 2024-11-26. Review status: criteria provided, single submitter. Criteria: ACMG Guidelines, 2015. Collection method: clinical testing. Allele origin: germline.
Comment: This synonymous variant in the RYR1 gene is predicted to impact mRNA splicing. To our knowledge, functional studies have not been reported for this variant. This variant has not been reported in individuals affected with RYR1-related malignant hyperthermia susceptibility in the literature, although it is associated with a different phenotype (ClinVar variation ID: 1061036). This variant has been identified in 2/277424 chromosomes in the general population by the Genome Aggregation Database (gnomAD). The available evidence is insufficient to determine the role of this variant in autosomal dominant malignant hyperthermia susceptibility conclusively. Therefore, this variant is classified as a Variant of Uncertain Significance.

All of Us Research Program, National Institutes of Health
Classification: Uncertain significance for Malignant hyperthermia, susceptibility to, 1. Last evaluated: 2024-08-31. Review status: criteria provided, single submitter. Criteria: ACMG Guidelines, 2015. Collection method: clinical testing. Allele origin: germline. Inheritance: Autosomal dominant inheritance. Observed: 1 variant allele, 1 heterozygote.
Comment: This study involves interpretation of variants in research participants for the purpose of population health screening. Participant phenotype was not available at the time of variant classification. Additional details can be found in publication PMID: 35346344, PMCID: PMC8962531

Labcorp Genetics (formerly Invitae), Labcorp
Classification: Uncertain significance for RYR1-related disorder. Last evaluated: 2024-05-09. Review status: criteria provided, single submitter. Criteria: Invitae Variant Classification Sherloc (09022015). Collection method: clinical testing. Allele origin: germline.
Comment: This sequence change affects codon 894 of the RYR1 mRNA. It is a 'silent' change, meaning that it does not change the encoded amino acid sequence of the RYR1 protein. This variant also falls at the last nucleotide of exon 21, which is part of the consensus splice site for this exon. The frequency data for this variant in the population databases is considered unreliable, as metrics indicate poor data quality at this position in the gnomAD database. This variant has not been reported in the literature in individuals affected with RYR1-related conditions. ClinVar contains an entry for this variant (Variation ID: 1061036). Variants that disrupt the consensus splice site are a relatively common cause of aberrant splicing (PMID: 17576681, 9536098). Algorithms developed to predict the effect of sequence changes on RNA splicing suggest that this variant may disrupt the consensus splice site. This variant disrupts the c.2682G nucleotide in the RYR1 gene. Other variant(s) that disrupt this nucleotide have been determined to be pathogenic (PMID: 9536098, 17576681, 30827497). This suggests that this nucleotide is clinically significant, and that variants that disrupt this position are likely to be disease-causing. In summary, the available evidence is currently insufficient to determine the role of this variant in disease. Therefore, it has been classified as a Variant of Uncertain Significance.

Fulgent Genetics
Classification: Uncertain significance for Central core myopathy; Malignant hyperthermia, susceptibility to, 1; Congenital myopathy 4A, autosomal dominant; Congenital multicore myopathy with external ophthalmoplegia; King Denborough syndrome. Last evaluated: 2021-10-25. Review status: criteria provided, single submitter. Criteria: ACMG Guidelines, 2015. Collection method: clinical testing. Allele origin: unknown.

Literature cited by the submitters: PubMed 17576681 (cited by Labcorp Genetics (formerly Invitae), Labcorp); PubMed 9536098 (cited by Labcorp Genetics (formerly Invitae), Labcorp); PubMed 30827497 (cited by Labcorp Genetics (formerly Invitae), Labcorp).

NM_000540.3(RYR1):c.2682G>T (p.Pro894=)

Gene: RYR1 (ryanodine receptor 1; plus strand). Cytogenetic location: 19q13.2.
Variant type: single nucleotide variant.
Coding change: c.2682G>T on transcript NM_000540.3 (MANE Select); coding-DNA position 2682, G replaced by T.
Protein change: p.Pro894=; no amino-acid change (proline 894 retained).
Molecular consequence: synonymous variant.
Genome position (GRCh38, 1-based): chr19:38,463,527, G>T. VCF-style: chr19-38463527-G-T. GRCh37 (hg19) VCF-style: chr19-38954167-G-T.
Other names: c.2682G>T (NM_000540.2); c.2682G>T, p.Pro894= (NM_001042723.2).
Identifiers: ClinVar variation 1061036 (VCV001061036.12), dbSNP rs919322708, ClinGen allele CA308074291.